The following is an entry in ClinVar:

ClinVar aggregate classification (germline): Uncertain significance (1 of 4 stars; one submission).

Submission:

GeneDx
Classification: Uncertain significance. Last evaluated: 2024-07-09. Review status: criteria provided, single submitter. Criteria: GeneDx Variant Classification Process June 2021. Collection method: clinical testing. Allele origin: germline. Affected: yes.
Comment: Not observed at significant frequency in large population cohorts (gnomAD); In silico analysis supports that this missense variant has a deleterious effect on protein structure/function; Has not been previously published as pathogenic or benign to our knowledge

NM_001379180.1(ESRRB):c.926T>C (p.Ile309Thr)

Gene: ESRRB (estrogen related receptor beta; plus strand). Cytogenetic location: 14q24.3.
Variant type: single nucleotide variant.
Coding change: c.926T>C on transcript NM_001379180.1 (MANE Select); coding-DNA position 926, T replaced by C.
Protein change: p.Ile309Thr; replaces isoleucine 309 with threonine.
Molecular consequence: missense variant.
Genome position (GRCh38, 1-based): chr14:76,491,522, T>C. VCF-style: chr14-76491522-T-C. GRCh37 (hg19) VCF-style: chr14-76957865-T-C.
Other names: c.878T>C, p.Ile293Thr (NM_001411038.1); c.863T>C, p.Ile288Thr (NM_004452.4); short protein forms I288T, I293T, I309T.
Identifiers: ClinVar variation 3572583 (VCV003572583.1).